The following is an entry in ClinVar:

ClinVar aggregate classification (germline): Uncertain significance (1 of 4 stars; one submission).

Conditions:
Hereditary spastic paraplegia. Also called: Familial spastic paraparesis. Identifiers: Orphanet 685, MedGen C0037773, MONDO:0019064. Disease mechanism: loss of function.

Allele frequency attached by ClinVar (database versions not stated): ExAC 0.00002; gnomAD exomes 0.00002.
gnomAD v4.1: 31 of 1,614,186 alleles (0.0019%); highest among the groups gnomAD compares: South Asian, 0.027%; no homozygotes.

Submission:

Labcorp Genetics (formerly Invitae), Labcorp
Classification: Uncertain significance for Hereditary spastic paraplegia. Last evaluated: 2022-09-13. Review status: criteria provided, single submitter. Criteria: Invitae Variant Classification Sherloc (09022015). Collection method: clinical testing. Allele origin: germline.
Comment: In summary, the available evidence is currently insufficient to determine the role of this variant in disease. Therefore, it has been classified as a Variant of Uncertain Significance. Algorithms developed to predict the effect of missense changes on protein structure and function output the following: SIFT: "Tolerated"; PolyPhen-2: "Benign"; Align-GVGD: "Class C0". The valine amino acid residue is found in multiple mammalian species, which suggests that this missense change does not adversely affect protein function. ClinVar contains an entry for this variant (Variation ID: 458311). This variant has not been reported in the literature in individuals affected with USP8-related conditions. This variant is present in population databases (rs768800460, gnomAD 0.02%). This sequence change replaces isoleucine, which is neutral and non-polar, with valine, which is neutral and non-polar, at codon 362 of the USP8 protein (p.Ile362Val).

NM_005154.5(USP8):c.1084A>G (p.Ile362Val)

Gene: USP8 (ubiquitin specific peptidase 8; plus strand). Cytogenetic location: 15q21.2.
Variant type: single nucleotide variant.
Coding change: c.1084A>G on transcript NM_005154.5 (MANE Select); coding-DNA position 1084, A replaced by G.
Protein change: p.Ile362Val; replaces isoleucine 362 with valine.
Molecular consequence: missense variant.
Genome position (GRCh38, 1-based): chr15:50,477,365, A>G. VCF-style: chr15-50477365-A-G. GRCh37 (hg19) VCF-style: chr15-50769562-A-G.
Other names: c.1084A>G, p.Ile362Val (NM_001128610.3); c.853A>G, p.Ile285Val (NM_001283049.2); short protein forms I362V, I285V.
Identifiers: ClinVar variation 458311 (VCV000458311.8), dbSNP rs768800460, ClinGen allele CA7555655.